The following is an entry in ClinVar:

NM_172107.4(KCNQ2):c.928G>A (p.Gly310Ser)

Gene: KCNQ2 (potassium voltage-gated channel subfamily Q member 2; minus strand). Cytogenetic location: 20q13.33.
Variant type: single nucleotide variant.
Coding change: c.928G>A on transcript NM_172107.4 (MANE Select); coding-DNA position 928, G replaced by A.
Protein change: p.Gly310Ser; replaces glycine 310 with serine.
Molecular consequence: missense variant.
Genome position (GRCh38, 1-based): chr20:63,438,720, C>T on the plus strand (G>A on the coding strand, the complement: KCNQ2 is on the minus strand). VCF-style: chr20-63438720-C-T. GRCh37 (hg19) VCF-style: chr20-62070073-C-T.
Other names: c.928G>A, p.Gly310Ser (NM_004518.6, NM_172106.3, NM_172108.5 and 1 more transcripts); short protein forms G310S.
Identifiers: ClinVar variation 576538 (VCV000576538.13), dbSNP rs1568925719, ClinGen allele CA409652352.
Genomic context (GRCh38, chr20:63,438,720, plus strand): 5'-CAAAGTGCTTCTGCCTGTGCTGCTCCTGAACCTTCAGGGCAAACCCAGACCCCAAGATGC[C>T]CTGCAATTCATCAGGGTCAGGTCACACCCCAGGGACCCCCCACACCCCAATTCATCAGGG-3'
Protein context (NP_742105.1, residues 300-320): IGVSFFALPA[Gly310Ser]ILGSGFALKV

ClinVar aggregate classification (germline): Pathogenic/Likely pathogenic. Review status: criteria provided, multiple submitters, no conflicts (2 of 4 stars). 3 submissions from 3 submitters: Pathogenic (2); Likely pathogenic (1). Last evaluated 2023-07-17.

Conditions:
Early-infantile DEE. Also called: Early infantile epileptic encephalopathy; Early infantile epileptic encephalopathy with suppression bursts; Ohtahara syndrome. Identifiers: Orphanet 1934, MedGen C0393706, MONDO:0800491.
Developmental and epileptic encephalopathy, 7 (DEE7). Also called: Early infantile epileptic encephalopathy 7; KCNQ2-Related Neonatal Epileptic Encephalopathy; KCNQ2-Related Neonatal-Onset Developmental and Epileptic Encephalopathy (NEO-DEE). Identifiers: Orphanet 439218, MedGen C3150986, MONDO:0013387, OMIM 613720.

Submissions (3):

Labcorp Genetics (formerly Invitae), Labcorp
Classification: Likely pathogenic for Early-infantile DEE. Last evaluated: 2023-07-17. Review status: criteria provided, single submitter. Criteria: Invitae Variant Classification Sherloc (09022015). Collection method: clinical testing. Allele origin: germline.
Comment: In summary, the currently available evidence indicates that the variant is pathogenic, but additional data are needed to prove that conclusively. Therefore, this variant has been classified as Likely Pathogenic. Experimental studies have shown that this missense change affects KCNQ2 function (PMID: 32942014, 35770094). An algorithm developed to predict the effect of missense changes on protein structure and function (PolyPhen-2) suggests that this variant is likely to be disruptive. ClinVar contains an entry for this variant (Variation ID: 576538). This missense change has been observed in individual(s) with developmental and epileptic encephalopathy (PMID: 32942014). In at least one individual the variant was observed to be de novo. This variant is not present in population databases (gnomAD no frequency). This sequence change replaces glycine, which is neutral and non-polar, with serine, which is neutral and polar, at codon 310 of the KCNQ2 protein (p.Gly310Ser).

GeneDx
Classification: Pathogenic. Last evaluated: 2023-03-25. Review status: criteria provided, single submitter. Criteria: GeneDx Variant Classification Process June 2021. Collection method: clinical testing. Allele origin: germline. Affected: yes.
Comment: In silico analysis supports that this missense variant has a deleterious effect on protein structure/function; Not observed at significant frequency in large population cohorts (gnomAD); This substitution is predicted to be within the transmembrane segment S6; Missense variants in this gene are often considered pathogenic (HGMD); This variant is associated with the following publications: (PMID: 35770094, 32942014)

Cytogénomique, Hospices Civils de Lyon
Classification: Pathogenic for Developmental and epileptic encephalopathy, 7. Review status: criteria provided, single submitter. Criteria: ACMG Guidelines, 2015. Collection method: clinical testing. Allele origin: de novo. Inheritance: Autosomal dominant inheritance. Affected: yes.

Literature cited by the submitters: PubMed 32942014 (cited by Labcorp Genetics (formerly Invitae), Labcorp); PubMed 35770094 (cited by Labcorp Genetics (formerly Invitae), Labcorp).